The following is an entry in ClinVar:

ClinVar aggregate classification (germline): Uncertain significance. Review status: criteria provided, multiple submitters, no conflicts (2 of 4 stars). 2 submissions from 2 submitters: Uncertain significance (2). Last evaluated 2020-08-31.

Conditions:
Hereditary cancer-predisposing syndrome. Also called: Hereditary neoplastic syndrome; Neoplastic Syndromes, Hereditary; Tumor predisposition; Hereditary Cancer Syndrome. Identifiers: Orphanet 140162, MedGen C0027672, MeSH D009386, MONDO:0015356.
Oligodontia-cancer predisposition syndrome. Also called: TOOTH AGENESIS-COLORECTAL CANCER SYNDROME. Identifiers: Orphanet 300576, MedGen C1837750, MONDO:0012075, OMIM 608615. Disease mechanism: loss of function.

Submissions (2):

Ambry Genetics
Classification: Uncertain significance for Hereditary cancer-predisposing syndrome. Last evaluated: 2020-08-31. Review status: criteria provided, single submitter. Criteria: Ambry Variant Classification Scheme 2023. Collection method: clinical testing. Allele origin: germline.
Comment: The p.C771Y variant (also known as c.2312G>A), located in coding exon 9 of the AXIN2 gene, results from a G to A substitution at nucleotide position 2312. The cysteine at codon 771 is replaced by tyrosine, an amino acid with highly dissimilar properties. This amino acid position is highly conserved in available vertebrate species. In addition, this alteration is predicted to be deleterious by in silico analysis. Since supporting evidence is limited at this time, the clinical significance of this alteration remains unclear.

Labcorp Genetics (formerly Invitae), Labcorp
Classification: Uncertain significance for Oligodontia-cancer predisposition syndrome. Last evaluated: 2020-02-04. Review status: criteria provided, single submitter. Criteria: Invitae Variant Classification Sherloc (09022015). Collection method: clinical testing. Allele origin: germline.
Comment: This sequence change replaces cysteine with tyrosine at codon 771 of the AXIN2 protein (p.Cys771Tyr). The cysteine residue is highly conserved and there is a large physicochemical difference between cysteine and tyrosine. This variant is not present in population databases (ExAC no frequency). This variant has not been reported in the literature in individuals with AXIN2-related disease. Algorithms developed to predict the effect of missense changes on protein structure and function (SIFT, PolyPhen-2, Align-GVGD) all suggest that this variant is likely to be disruptive, but these predictions have not been confirmed by published functional studies and their clinical significance is uncertain. In summary, the available evidence is currently insufficient to determine the role of this variant in disease. Therefore, it has been classified as a Variant of Uncertain Significance.

NM_004655.4(AXIN2):c.2312G>A (p.Cys771Tyr)

Gene: AXIN2 (axin 2; minus strand). Cytogenetic location: 17q24.1.
Variant type: single nucleotide variant.
Coding change: c.2312G>A on transcript NM_004655.4 (MANE Select); coding-DNA position 2312, G replaced by A.
Protein change: p.Cys771Tyr; replaces cysteine 771 with tyrosine.
Molecular consequence: missense variant.
Genome position (GRCh38, 1-based): chr17:65,534,005, C>T on the plus strand (G>A on the coding strand, the complement: AXIN2 is on the minus strand). VCF-style: chr17-65534005-C-T. GRCh37 (hg19) VCF-style: chr17-63530123-C-T.
Other names: c.2117G>A, p.Cys706Tyr (NM_001363813.1); short protein forms C771Y, C706Y.
Identifiers: ClinVar variation 938846 (VCV000938846.12), dbSNP rs2043866778, ClinGen allele CA400675528.